The following is an entry in ClinVar:

NM_025103.4(IFT74):c.441A>T (p.Gln147His)

Gene: IFT74 (intraflagellar transport 74; plus strand). Cytogenetic location: 9p21.2.
Variant type: single nucleotide variant.
Coding change: c.441A>T on transcript NM_025103.4 (MANE Select); coding-DNA position 441, A replaced by T.
Protein change: p.Gln147His; replaces glutamine 147 with histidine.
Molecular consequence: missense variant.
Genome position (GRCh38, 1-based): chr9:26,984,535, A>T. VCF-style: chr9-26984535-A-T. GRCh37 (hg19) VCF-style: chr9-26984533-A-T.
Other names: c.441A>T, p.Gln147His (NM_001099222.3, NM_001099223.3, NM_001099224.3 and 1 more transcripts); c.441A>T (NM_025103.2); short protein forms Q147H.
Identifiers: ClinVar variation 2190338 (VCV002190338.5), dbSNP rs1458770862, ClinGen allele CA373127859.

ClinVar aggregate classification (germline): Uncertain significance. Review status: criteria provided, single submitter (1 of 4 stars). 2 submissions from 2 submitters: Uncertain significance (1). 1 of the submissions does not count toward it. Last evaluated 2022-07-26.

Conditions:
IFT74-related disorder. Also called: IFT74-related condition; IFT74-Related Disorders.

Allele frequency attached by ClinVar (database versions not stated): TOPMed below 0.00001.

Submissions (2):

Labcorp Genetics (formerly Invitae), Labcorp
Classification: Uncertain significance. Last evaluated: 2022-07-26. Review status: criteria provided, single submitter. Criteria: Invitae Variant Classification Sherloc (09022015). Collection method: clinical testing. Allele origin: germline.
Comment: This sequence change replaces glutamine, which is neutral and polar, with histidine, which is basic and polar, at codon 147 of the IFT74 protein (p.Gln147His). This variant is present in population databases (no rsID available, gnomAD 0.0009%). This variant has not been reported in the literature in individuals affected with IFT74-related conditions. Algorithms developed to predict the effect of missense changes on protein structure and function are either unavailable or do not agree on the potential impact of this missense change (SIFT: "Deleterious"; PolyPhen-2: "Probably Damaging"; Align-GVGD: "Class C15"). In summary, the available evidence is currently insufficient to determine the role of this variant in disease. Therefore, it has been classified as a Variant of Uncertain Significance.

PreventionGenetics, part of Exact Sciences
Classification: Uncertain significance for IFT74-related condition. Last evaluated: 2024-07-10. Review status: no assertion criteria provided. Collection method: clinical testing. Allele origin: germline. Not counted in ClinVar's aggregate classification.
Comment: The IFT74 c.441A>T variant is predicted to result in the amino acid substitution p.Gln147His. To our knowledge, this variant has not been reported in the literature. This variant is reported in 0.00089% of alleles in individuals of European (Non-Finnish) descent in gnomAD. At this time, the clinical significance of this variant is uncertain due to the absence of conclusive functional and genetic evidence.